The following is an entry in ClinVar:

NM_000337.6(SGCD):c.575+6C>T

Gene: SGCD (sarcoglycan delta; plus strand). Cytogenetic location: 5q33.3.
Variant type: single nucleotide variant.
Coding change: c.575+6C>T on transcript NM_000337.6 (MANE Select); 6 bases into the intron after coding-DNA position 575, C replaced by T.
Molecular consequence: intron variant.
Genome position (GRCh38, 1-based): chr5:156,647,542, C>T. VCF-style: chr5-156647542-C-T. GRCh37 (hg19) VCF-style: chr5-156074552-C-T.
Other names: c.572+6C>T (NM_001128209.2); c.575+6C>T (NM_172244.3).
Identifiers: ClinVar variation 290355 (VCV000290355.10), dbSNP rs886044432, ClinGen allele CA10606747.

ClinVar aggregate classification (germline): Conflicting classifications of pathogenicity. Review status: criteria provided, conflicting classifications (1 of 4 stars). 7 submissions from 6 submitters: Uncertain significance (6); Likely benign (1). Last evaluated 2025-12-30.

Conditions:
Autosomal recessive limb-girdle muscular dystrophy type 2F (LGMDR6). Also called: Muscular dystrophy limb-girdle with delta-sarcoglyan deficiency; MUSCULAR DYSTROPHY, LIMB-GIRDLE, AUTOSOMAL RECESSIVE 6. Identifiers: Orphanet 219, MedGen C1832525, MONDO:0011028, OMIM 601287. Disease mechanism: Affects gamma-sarcoglycan and also disrupts the integrity of the entire sarcoglycan complex..
Dilated cardiomyopathy 1L (CMD1L). Identifiers: Orphanet 154, MedGen C1847667, MONDO:0011702, OMIM 606685.

Allele frequency attached by ClinVar (database versions not stated): gnomAD exomes 0.00001 and 0.00002.
gnomAD v4.1: 14 of 1,561,558 alleles (0.0009%); highest among the groups gnomAD compares: Non-Finnish European, 0.00087%; no homozygotes.

Submissions (7):

Women's Health and Genetics/Laboratory Corporation of America, LabCorp
Classification: Uncertain significance. Last evaluated: 2025-12-30. Review status: criteria provided, single submitter. Criteria: LabCorp Variant Classification Summary - May 2015. Collection method: clinical testing. Allele origin: germline.
Comment: Variant summary: SGCD c.575+6C>T alters a nucleotide located close to a canonical splice site and therefore could affect mRNA splicing, leading to a significantly altered protein sequence. Consensus agreement among computation tools predict no significant impact on normal splicing. However, these predictions have yet to be confirmed by functional studies. The variant allele was found at a frequency of 1.7e-05 in 180404 control chromosomes. The available data on variant occurrences in the general population are insufficient to allow any conclusion about variant significance. To our knowledge, no occurrence of c.575+6C>T in individuals affected with SGCD-related conditions and no experimental evidence demonstrating its impact on protein function have been reported. ClinVar contains an entry for this variant (Variation ID: 290355). Based on the evidence outlined above, the variant was classified as uncertain significance.

Blueprint Genetics
Classification: Likely benign. Last evaluated: 2024-01-02. Review status: criteria provided, single submitter. Criteria: ACMG Guidelines, 2015. Collection method: clinical testing. Allele origin: germline.

Genome-Nilou Lab
Classification: Uncertain significance for Autosomal recessive limb-girdle muscular dystrophy type 2F. Last evaluated: 2023-02-08. Review status: criteria provided, single submitter. Criteria: ACMG Guidelines, 2015. Collection method: clinical testing. Allele origin: germline.

Genome-Nilou Lab
Classification: Uncertain significance for Dilated cardiomyopathy 1L. Last evaluated: 2023-02-08. Review status: criteria provided, single submitter. Criteria: ACMG Guidelines, 2015. Collection method: clinical testing. Allele origin: germline.

Labcorp Genetics (formerly Invitae), Labcorp
Classification: Uncertain significance for Autosomal recessive limb-girdle muscular dystrophy type 2F. Last evaluated: 2022-06-29. Review status: criteria provided, single submitter. Criteria: Invitae Variant Classification Sherloc (09022015). Collection method: clinical testing. Allele origin: germline.
Comment: This sequence change falls in intron 7 of the SGCD gene. It does not directly change the encoded amino acid sequence of the SGCD protein. It affects a nucleotide within the consensus splice site. This variant is present in population databases (no rsID available, gnomAD 0.004%). This variant has not been reported in the literature in individuals affected with SGCD-related conditions. ClinVar contains an entry for this variant (Variation ID: 290355). Variants that disrupt the consensus splice site are a relatively common cause of aberrant splicing (PMID: 17576681, 9536098). Algorithms developed to predict the effect of sequence changes on RNA splicing suggest that this variant is not likely to affect RNA splicing. In summary, the available evidence is currently insufficient to determine the role of this variant in disease. Therefore, it has been classified as a Variant of Uncertain Significance.

Eurofins Ntd Llc (ga)
Classification: Uncertain significance. Last evaluated: 2016-08-23. Review status: criteria provided, single submitter. Criteria: EGL Classification Definitions 2015. Collection method: clinical testing. Allele origin: germline. Observed: 1 variant allele, 1 heterozygote.

Breakthrough Genomics
Classification: Uncertain significance. Review status: criteria provided, single submitter. Criteria: ACMG Guidelines, 2015. Collection method: not provided. Allele origin: germline. Inheritance: Autosomal recessive inheritance. Affected: yes.

Literature cited by the submitters: PubMed 17576681 (cited by Labcorp Genetics (formerly Invitae), Labcorp); PubMed 9536098 (cited by Labcorp Genetics (formerly Invitae), Labcorp).